The following is an entry in ClinVar:

ClinVar aggregate classification (germline): Benign/Likely benign. Review status: criteria provided, multiple submitters, no conflicts (2 of 4 stars). 3 submissions from 3 submitters: Benign (1); Likely benign (2). Last evaluated 2026-02-24.

Conditions:
Hereditary cancer-predisposing syndrome. Also called: Hereditary neoplastic syndrome; Neoplastic Syndromes, Hereditary; Tumor predisposition; Hereditary Cancer Syndrome. Identifiers: Orphanet 140162, MedGen C0027672, MeSH D009386, MONDO:0015356.
EGFR-related lung cancer (EGFR). Identifiers: MedGen CN130014.
Lung cancer. Also called: Lung cancer, somatic; Malignant tumor of lung. Identifiers: MedGen C0242379, MONDO:0008903, OMIM 211980.

Allele frequency attached by ClinVar (database versions not stated): TOPMed below 0.00001; ExAC 0.00001; gnomAD 0.00001; gnomAD exomes 0.00001.
gnomAD v4.1: 6 of 1,614,094 alleles (0.00037%); highest among the groups gnomAD compares: East Asian, 0.0067%; no homozygotes.

Submissions (3):

Ambry Genetics
Classification: Likely benign for Hereditary cancer-predisposing syndrome. Last evaluated: 2026-02-24. Review status: criteria provided, single submitter. Criteria: Ambry Variant Classification Scheme 2023. Collection method: clinical testing. Allele origin: germline.

Myriad Genetics, Inc.
Classification: Benign for Lung cancer. Last evaluated: 2024-10-16. Review status: criteria provided, single submitter. Criteria: Myriad Autosomal Dominant, Autosomal Recessive and X-Linked Classification Criteria (2023). Collection method: clinical testing. Allele origin: unknown.
Comment: This variant is considered benign. This variant is a silent/synonymous amino acid change and it is not expected to impact splicing.

Labcorp Genetics (formerly Invitae), Labcorp
Classification: Likely benign for EGFR-related lung cancer. Last evaluated: 2022-08-03. Review status: criteria provided, single submitter. Criteria: Invitae Variant Classification Sherloc (09022015). Collection method: clinical testing. Allele origin: germline.

NM_005228.5(EGFR):c.2412A>G (p.Glu804=)

Genes: EGFR (epidermal growth factor receptor; plus strand), EGFR-AS1 (EGFR antisense RNA 1; minus strand). Cytogenetic location: 7p11.2.
Variant type: single nucleotide variant.
Coding change: c.2412A>G on transcript NM_005228.5 (MANE Select); coding-DNA position 2412, A replaced by G.
Protein change: p.Glu804=; no amino-acid change (glutamic acid 804 retained).
Molecular consequence: synonymous variant. On other transcripts: non-coding transcript variant (1).
Genome position (GRCh38, 1-based): chr7:55,181,421, A>G. VCF-style: chr7-55181421-A-G. GRCh37 (hg19) VCF-style: chr7-55249114-A-G.
Other names: c.2277A>G, p.Glu759= (NM_001346897.2, NM_001346899.2); c.2412A>G, p.Glu804= (NM_001346898.2); c.2253A>G, p.Glu751= (NM_001346900.2); c.1611A>G, p.Glu537= (NM_001346941.2).
Identifiers: ClinVar variation 2177925 (VCV002177925.6), dbSNP rs746272455, ClinGen allele CA4266067.
Genomic context (GRCh38, chr7:55,181,421, plus strand): 5'-CACCGTGCAGCTCATCACGCAGCTCATGCCCTTCGGCTGCCTCCTGGACTATGTCCGGGA[A>G]CACAAAGACAATATTGGCTCCCAGTACCTGCTCAACTGGTGTGTGCAGATCGCAAAGGTA-3'
Protein context (NP_005219.2, residues 794-814): PFGCLLDYVR[Glu804=]HKDNIGSQYL